The following is an entry in ClinVar:

ClinVar aggregate classification (germline): Conflicting classifications of pathogenicity. Review status: criteria provided, conflicting classifications (1 of 4 stars). 9 submissions from 9 submitters: Uncertain significance (1); Benign (1); Likely benign (7). Last evaluated 2026-01-27.

Conditions:
Hereditary cancer-predisposing syndrome. Also called: Tumor predisposition; Neoplastic Syndromes, Hereditary; Hereditary neoplastic syndrome; Hereditary Cancer Syndrome. Identifiers: Orphanet 140162, MedGen C0027672, MeSH D009386, MONDO:0015356.
Familial cancer of breast. Also called: BREAST CANCER, FAMILIAL; hereditary breast carcinoma; Hereditary breast cancer. Identifiers: Orphanet 227535, MedGen C0346153, MONDO:0016419, OMIM 114480. Disease mechanism: loss of function.
Ataxia-telangiectasia syndrome (AT). Also called: LOUIS-BAR SYNDROME; Ataxia-telangiectasia, complementation group D; AT, COMPLEMENTATION GROUP C; ATAXIA-TELANGIECTASIA, COMPLEMENTATION GROUP A; ATAXIA-TELANGIECTASIA, FRESNO VARIANT; Ataxia-telangiectasia. Identifiers: Orphanet 100, MedGen C0004135, MONDO:0008840, OMIM 208900.

Allele frequency attached by ClinVar (database versions not stated): TOPMed 0.00003; gnomAD 0.00005; ESP Exome Variant Server 0.00015.
gnomAD v4.1: 128 of 1,596,082 alleles (0.008%); highest among the groups gnomAD compares: Non-Finnish European, 0.01%; no homozygotes.

Submissions (9):

Labcorp Genetics (formerly Invitae), Labcorp
Classification: Likely benign for Ataxia-telangiectasia syndrome. Last evaluated: 2026-01-27. Review status: criteria provided, single submitter. Criteria: Invitae Variant Classification Sherloc (09022015). Collection method: clinical testing. Allele origin: germline.

Blueprint Genetics
Classification: Likely benign. Last evaluated: 2024-08-12. Review status: criteria provided, single submitter. Criteria: ACMG Guidelines, 2015. Collection method: clinical testing. Allele origin: germline.

Myriad Genetics, Inc.
Classification: Benign for Familial cancer of breast. Last evaluated: 2024-05-20. Review status: criteria provided, single submitter. Criteria: Myriad Autosomal Dominant, Autosomal Recessive and X-Linked Classification Criteria (2023). Collection method: clinical testing. Allele origin: unknown.
Comment: This variant is considered benign. This variant is a silent/synonymous amino acid change and it is not expected to impact splicing.

Institute for Biomarker Research, Medical Diagnostic Laboratories, L.L.C.
Classification: Likely benign for Hereditary cancer-predisposing syndrome. Last evaluated: 2022-11-15. Review status: criteria provided, single submitter. Criteria: ACMG Guidelines, 2015. Collection method: clinical testing. Allele origin: germline.

GeneDx
Classification: Likely benign. Last evaluated: 2019-08-28. Review status: criteria provided, single submitter. Criteria: GeneDx Variant Classification Process June 2021. Collection method: clinical testing. Allele origin: germline. Affected: yes.

Women's Health and Genetics/Laboratory Corporation of America, LabCorp
Classification: Likely benign. Last evaluated: 2019-08-21. Review status: criteria provided, single submitter. Criteria: LabCorp Variant Classification Summary - May 2015. Collection method: clinical testing. Allele origin: germline.

Color Diagnostics, LLC DBA Color Health
Classification: Likely benign for Hereditary cancer-predisposing syndrome. Last evaluated: 2016-05-19. Review status: criteria provided, single submitter. Criteria: ACMG Guidelines, 2015. Collection method: clinical testing. Allele origin: germline.

Eurofins Ntd Llc (ga)
Classification: Uncertain significance. Last evaluated: 2016-04-05. Review status: criteria provided, single submitter. Criteria: EGL Classification Definitions 2015. Collection method: clinical testing. Allele origin: germline. Observed: 1 variant allele, 1 heterozygote.

Ambry Genetics
Classification: Likely benign for Hereditary cancer-predisposing syndrome. Last evaluated: 2014-11-26. Review status: criteria provided, single submitter. Criteria: Ambry Variant Classification Scheme 2023. Collection method: clinical testing. Allele origin: germline.

NM_000051.4(ATM):c.4665C>T (p.Leu1555=)

Gene: ATM (ATM serine/threonine kinase; plus strand). Cytogenetic location: 11q22.3.
Variant type: single nucleotide variant.
Coding change: c.4665C>T on transcript NM_000051.4 (MANE Select); coding-DNA position 4665, C replaced by T.
Protein change: p.Leu1555=; no amino-acid change (leucine 1555 retained).
Molecular consequence: synonymous variant.
Genome position (GRCh38, 1-based): chr11:108,293,366, C>T. VCF-style: chr11-108293366-C-T. GRCh37 (hg19) VCF-style: chr11-108164093-C-T.
Other names: c.4665C>T, p.Leu1555= (NM_001351834.2).
Identifiers: ClinVar variation 184293 (VCV000184293.27), dbSNP rs374431061, ClinGen allele CA188508.